The following is an entry in ClinVar:

NM_020458.4(TTC7A):c.800T>A (p.Val267Glu)

Gene: TTC7A (tetratricopeptide repeat domain 7A; plus strand). Cytogenetic location: 2p21.
Variant type: single nucleotide variant.
Coding change: c.800T>A on transcript NM_020458.4 (MANE Select); coding-DNA position 800, T replaced by A.
Protein change: p.Val267Glu; replaces valine 267 with glutamic acid.
Molecular consequence: missense variant. On other transcripts: 5 prime UTR variant (1).
Genome position (GRCh38, 1-based): chr2:46,993,485, T>A. VCF-style: chr2-46993485-T-A. GRCh37 (hg19) VCF-style: chr2-47220624-T-A.
Other names: c.800T>A, p.Val267Glu (NM_001288951.2); c.698T>A, p.Val233Glu (NM_001288953.2); c.-105T>A (NM_001288955.2); short protein forms V233E, V267E.
Identifiers: ClinVar variation 2974686 (VCV002974686.3), dbSNP rs1675833747, ClinGen allele CA346713198.

ClinVar aggregate classification (germline): Uncertain significance (1 of 4 stars; one submission).

Conditions:
Multiple gastrointestinal atresias. Also called: Multiple intestinal atresia; FAMILIAL INTESTINAL POLYATRESIA SYNDROME. Identifiers: Orphanet 2300, MedGen C0220744, MONDO:0009465.

Allele frequency attached by ClinVar (database versions not stated): TOPMed below 0.00001.

Submission:

Labcorp Genetics (formerly Invitae), Labcorp
Classification: Uncertain significance for Multiple gastrointestinal atresias. Last evaluated: 2023-11-17. Review status: criteria provided, single submitter. Criteria: Invitae Variant Classification Sherloc (09022015). Collection method: clinical testing. Allele origin: germline.
Comment: This sequence change replaces valine, which is neutral and non-polar, with glutamic acid, which is acidic and polar, at codon 267 of the TTC7A protein (p.Val267Glu). This variant is not present in population databases (gnomAD no frequency). This variant has not been reported in the literature in individuals affected with TTC7A-related conditions. Advanced modeling of protein sequence and biophysical properties (such as structural, functional, and spatial information, amino acid conservation, physicochemical variation, residue mobility, and thermodynamic stability) performed at Invitae indicates that this missense variant is expected to disrupt TTC7A protein function with a positive predictive value of 80%. In summary, the available evidence is currently insufficient to determine the role of this variant in disease. Therefore, it has been classified as a Variant of Uncertain Significance.